The following is an entry in ClinVar:

ClinVar aggregate classification (germline): Uncertain significance. Review status: criteria provided, multiple submitters, no conflicts (2 of 4 stars). 2 submissions from 2 submitters: Uncertain significance (2). Last evaluated 2025-05-02.

Conditions:
Inborn genetic diseases. Identifiers: MedGen C0950123, MeSH D030342.
Epidermodysplasia verruciformis. Identifiers: Orphanet 302, MedGen C0014522, MONDO:0009176.

Allele frequency attached by ClinVar (database versions not stated): TOPMed 0.00001; gnomAD exomes 0.00002.
gnomAD v4.1: 12 of 1,614,100 alleles (0.00074%); highest among the groups gnomAD compares: Admixed American, 0.018%; no homozygotes.

Submissions (2):

Labcorp Genetics (formerly Invitae), Labcorp
Classification: Uncertain significance for Epidermodysplasia verruciformis. Last evaluated: 2025-05-02. Review status: criteria provided, single submitter. Criteria: Invitae Variant Classification Sherloc (09022015). Collection method: clinical testing. Allele origin: germline.
Comment: This sequence change replaces valine, which is neutral and non-polar, with isoleucine, which is neutral and non-polar, at codon 593 of the TMC6 protein (p.Val593Ile). This variant is present in population databases (no rsID available, gnomAD 0.02%). This variant has not been reported in the literature in individuals affected with TMC6-related conditions. ClinVar contains an entry for this variant (Variation ID: 2277290). An algorithm developed to predict the effect of missense changes on protein structure and function (PolyPhen-2) suggests that this variant is likely to be disruptive. In summary, the available evidence is currently insufficient to determine the role of this variant in disease. Therefore, it has been classified as a Variant of Uncertain Significance.

Ambry Genetics
Classification: Uncertain significance for Inborn genetic diseases. Last evaluated: 2022-02-11. Review status: criteria provided, single submitter. Criteria: Ambry Variant Classification Scheme 2023. Collection method: clinical testing. Allele origin: germline.

NM_001127198.5(TMC6):c.1777G>A (p.Val593Ile)

Gene: TMC6 (transmembrane channel like 6; minus strand). Cytogenetic location: 17q25.3.
Variant type: single nucleotide variant.
Coding change: c.1777G>A on transcript NM_001127198.5 (MANE Select); coding-DNA position 1777, G replaced by A.
Protein change: p.Val593Ile; replaces valine 593 with isoleucine.
Molecular consequence: missense variant. On other transcripts: non-coding transcript variant (4).
Genome position (GRCh38, 1-based): chr17:78,119,331, C>T on the plus strand (G>A on the coding strand, the complement: TMC6 is on the minus strand). VCF-style: chr17-78119331-C-T. GRCh37 (hg19) VCF-style: chr17-76115412-C-T.
Other names: c.1777G>A, p.Val593Ile (NM_001321185.1, NM_001374596.1, NM_001375353.1 and 2 more transcripts); c.1597G>A, p.Val533Ile (NM_001374593.1, NM_001374594.1); short protein forms V533I, V593I.
Identifiers: ClinVar variation 2277290 (VCV002277290.3), dbSNP rs1422742102, ClinGen allele CA401226468.